The following is an entry in ClinVar:

NM_020822.3(KCNT1):c.1969C>G (p.Pro657Ala)

Gene: KCNT1 (potassium sodium-activated channel subfamily T member 1; plus strand). Cytogenetic location: 9q34.3.
Variant type: single nucleotide variant.
Coding change: c.1969C>G on transcript NM_020822.3 (MANE Select); coding-DNA position 1969, C replaced by G.
Protein change: p.Pro657Ala; replaces proline 657 with alanine.
Molecular consequence: missense variant.
Genome position (GRCh38, 1-based): chr9:135,771,056, C>G. VCF-style: chr9-135771056-C-G. GRCh37 (hg19) VCF-style: chr9-138662902-C-G.
Other names: c.1834C>G, p.Pro612Ala (NM_001272003.2); short protein forms P612A, P657A.
Identifiers: ClinVar variation 1691213 (VCV001691213.2), dbSNP rs763051647, ClinGen allele CA375508750.
Genomic context (GRCh38, chr9:135,771,056, plus strand): 5'-TTCAAGCAGGAGGAGAAGCGGAAGAAGAGGGCCTTCTCGGGGCAGGGGCTGCACGAGGGT[C>G]CGGCCCGCCTGCCCGTGCACAGCATCATCGCCTCCATGGGTGAGCCGGGACAGGCGCGCG-3'
Protein context (NP_065873.2, residues 647-667): AFSGQGLHEG[Pro657Ala]ARLPVHSIIA

ClinVar aggregate classification (germline): Uncertain significance (1 of 4 stars; one submission).

Submission:

GeneDx
Classification: Uncertain significance. Last evaluated: 2021-12-03. Review status: criteria provided, single submitter. Criteria: GeneDx Variant Classification Process June 2021. Collection method: clinical testing. Allele origin: germline. Affected: yes.
Comment: Not observed at significant frequency in large population cohorts (gnomAD); In silico analysis supports that this missense variant has a deleterious effect on protein structure/function; Has not been previously published as pathogenic or benign to our knowledge